The following is an entry in ClinVar:

NM_002618.4(PEX13):c.629T>C (p.Leu210Pro)

Gene: PEX13 (peroxisomal biogenesis factor 13; plus strand). Cytogenetic location: 2p15.
Variant type: single nucleotide variant.
Coding change: c.629T>C on transcript NM_002618.4 (MANE Select); coding-DNA position 629, T replaced by C.
Protein change: p.Leu210Pro; replaces leucine 210 with proline.
Molecular consequence: missense variant.
Genome position (GRCh38, 1-based): chr2:61,031,955, T>C. VCF-style: chr2-61031955-T-C. GRCh37 (hg19) VCF-style: chr2-61259090-T-C.
Other names: short protein forms L210P.
Identifiers: ClinVar variation 2098616 (VCV002098616.3), dbSNP rs2467508452, ClinGen allele CA346944124.

ClinVar aggregate classification (germline): Uncertain significance (1 of 4 stars; one submission).

Conditions:
Peroxisome biogenesis disorder 11A (Zellweger). Also called: Peroxisome biogenesis disorder 11A. Identifiers: Orphanet 912, MedGen C3554000, MONDO:0013949, OMIM 614883.

Allele frequency attached by ClinVar (database versions not stated): gnomAD exomes below 0.00001.
gnomAD v4.1: 4 of 1,614,138 alleles (0.00025%); highest among the groups gnomAD compares: Non-Finnish European, 0.00025%; no homozygotes.

Submission:

Labcorp Genetics (formerly Invitae), Labcorp
Classification: Uncertain significance for Peroxisome biogenesis disorder 11A (Zellweger). Last evaluated: 2022-10-17. Review status: criteria provided, single submitter. Criteria: Invitae Variant Classification Sherloc (09022015). Collection method: clinical testing. Allele origin: germline.
Comment: In summary, the available evidence is currently insufficient to determine the role of this variant in disease. Therefore, it has been classified as a Variant of Uncertain Significance. This sequence change replaces leucine, which is neutral and non-polar, with proline, which is neutral and non-polar, at codon 210 of the PEX13 protein (p.Leu210Pro). This variant is not present in population databases (gnomAD no frequency). This variant has not been reported in the literature in individuals affected with PEX13-related conditions. Advanced modeling of protein sequence and biophysical properties (such as structural, functional, and spatial information, amino acid conservation, physicochemical variation, residue mobility, and thermodynamic stability) performed at Invitae indicates that this missense variant is expected to disrupt PEX13 protein function.